The following is an entry in ClinVar:

NM_005634.3(SOX3):c.1093A>C (p.Met365Leu)

Gene: SOX3 (SRY-box transcription factor 3; minus strand). Cytogenetic location: Xq27.1.
Variant type: single nucleotide variant.
Coding change: c.1093A>C on transcript NM_005634.3 (MANE Select); coding-DNA position 1093, A replaced by C.
Protein change: p.Met365Leu; replaces methionine 365 with leucine.
Molecular consequence: missense variant.
Genome position (GRCh38, 1-based): chrX:140,503,968, T>G on the plus strand (A>C on the coding strand, the complement: SOX3 is on the minus strand). VCF-style: chrX-140503968-T-G. GRCh37 (hg19) VCF-style: chrX-139586133-T-G.
Other names: short protein forms M365L.
Identifiers: ClinVar variation 798184 (VCV000798184.8), dbSNP rs780036573, ClinGen allele CA10531599.

ClinVar aggregate classification (germline): Conflicting classifications of pathogenicity. Review status: criteria provided, conflicting classifications (1 of 4 stars). 3 submissions from 3 submitters: Uncertain significance (1); Likely benign (2). Last evaluated 2026-03-09.

Allele frequency attached by ClinVar (database versions not stated): gnomAD exomes 0.00003 and 0.00004; ExAC 0.00008; TOPMed 0.00045; gnomAD 0.00047 and 0.00048; 1000 Genomes Project 0.00079; 1000 Genomes Project 30x 0.00083.

Submissions (3):

Women's Health and Genetics/Laboratory Corporation of America, LabCorp
Classification: Uncertain significance. Last evaluated: 2026-03-09. Review status: criteria provided, single submitter. Criteria: LabCorp Variant Classification Summary - May 2015. Collection method: clinical testing. Allele origin: germline.
Comment: Variant summary: SOX3 c.1093A>C (p.Met365Leu) results in a conservative amino acid change in the encoded protein sequence. Algorithms developed to predict the effect of missense changes on protein structure and function are either unavailable or do not agree on the potential impact of this missense change. The variant allele was found at a frequency of 3.3e-05 in 60760 control chromosomes. The available data on variant occurrences in the general population are insufficient to allow any conclusion about variant significance. To our knowledge, no occurrence of c.1093A>C in individuals affected with SOX3-related conditions and no experimental evidence demonstrating its impact on protein function have been reported. ClinVar contains an entry for this variant (Variation ID: 798184). Based on the evidence outlined above, the variant was classified as uncertain significance.

Labcorp Genetics (formerly Invitae), Labcorp
Classification: Likely benign. Last evaluated: 2018-11-14. Review status: criteria provided, single submitter. Criteria: Invitae Variant Classification Sherloc (09022015). Collection method: clinical testing. Allele origin: germline.

Breakthrough Genomics
Classification: Likely benign. Review status: criteria provided, single submitter. Criteria: ACMG Guidelines, 2015. Collection method: not provided. Allele origin: germline. Inheritance: X-linked inheritance. Affected: yes.